The following is an entry in ClinVar:

ClinVar aggregate classification (germline): Uncertain significance (1 of 4 stars; one submission).

Conditions:
VPS13A-related disorder. Also called: VPS13A-related condition.

gnomAD v4.1: 7 of 1,613,586 alleles (0.00043%); highest among the groups gnomAD compares: Admixed American, 0.0017%; no homozygotes.

Submission:

PreventionGenetics, part of Exact Sciences
Classification: Uncertain significance for VPS13A-related condition. Last evaluated: 2025-06-06. Review status: criteria provided, single submitter. Criteria: ACMG Guidelines, 2015. Collection method: clinical testing. Allele origin: germline.
Comment: The VPS13A c.7801G>A variant is predicted to result in the amino acid substitution p.Val2601Ile. To our knowledge, this variant has not been reported in the literature. This variant is reported in 0.0062% of alleles in individuals of African descent in gnomAD. At this time, the clinical significance of this variant is uncertain due to the absence of conclusive functional and genetic evidence.

NM_033305.3(VPS13A):c.7801G>A (p.Val2601Ile)

Gene: VPS13A (vacuolar protein sorting 13 homolog A; plus strand). Cytogenetic location: 9q21.2.
Variant type: single nucleotide variant.
Coding change: c.7801G>A on transcript NM_033305.3 (MANE Select); coding-DNA position 7801, G replaced by A.
Protein change: p.Val2601Ile; replaces valine 2601 with isoleucine.
Molecular consequence: missense variant.
Genome position (GRCh38, 1-based): chr9:77,356,862, G>A. VCF-style: chr9-77356862-G-A. GRCh37 (hg19) VCF-style: chr9-79971778-G-A.
Other names: c.7684G>A, p.Val2562Ile (NM_001018037.2); c.7801G>A, p.Val2601Ile (NM_001018038.3, NM_015186.4); short protein forms V2562I, V2601I.
Identifiers: ClinVar variation 4984846 (VCV004984846.1).
Genomic context (GRCh38, chr9:77,356,862, plus strand): 5'-TTTAAGGAATATACTGAATCTTCTCCTTCAGAAGATAAGGTTATTCAGTTGGACACTAAT[G>A]TTCCGGTAATATTTTTAAGTACTGATGTGAAGTTTTAATTTTTTGCCTGTCGTAGTTTGG-3'
Protein context (NP_150648.2, residues 2591-2611): EDKVIQLDTN[Val2601Ile]PVRLTPTGHN